The following is an entry in ClinVar:

NM_004333.6(BRAF):c.1468C>G (p.Pro490Ala)

Gene: BRAF (B-Raf proto-oncogene, serine/threonine kinase; minus strand). Cytogenetic location: 7q34.
Variant type: single nucleotide variant.
Coding change: c.1468C>G on transcript NM_004333.6 (MANE Select); coding-DNA position 1468, C replaced by G.
Protein change: p.Pro490Ala; replaces proline 490 with alanine.
Molecular consequence: missense variant.
Genome position (GRCh38, 1-based): chr7:140,778,040, G>C on the plus strand (C>G on the coding strand, the complement: BRAF is on the minus strand). VCF-style: chr7-140778040-G-C. GRCh37 (hg19) VCF-style: chr7-140477840-G-C.
Other names: c.1468C>G, p.Pro490Ala (NM_001354609.2, NM_001378468.1, NM_001378474.1); c.1588C>G, p.Pro530Ala (NM_001374244.1, NM_001374258.1); c.1477C>G, p.Pro493Ala (NM_001378467.1); c.1402C>G, p.Pro468Ala (NM_001378469.1); c.1366C>G, p.Pro456Ala (NM_001378470.1); c.1357C>G, p.Pro453Ala (NM_001378471.1); c.1312C>G, p.Pro438Ala (NM_001378472.1, NM_001378473.1); c.1204C>G, p.Pro402Ala (NM_001378475.1); short protein forms P490A, P453A, P456A, P530A, P402A, P438A, P493A, P468A.
Identifiers: ClinVar variation 3781244 (VCV003781244.1).

ClinVar aggregate classification (germline): Uncertain significance (1 of 4 stars; one submission).

Submission:

GeneDx
Classification: Uncertain significance. Last evaluated: 2024-10-16. Review status: criteria provided, single submitter. Criteria: GeneDx Variant Classification Process June 2021. Collection method: clinical testing. Allele origin: germline. Affected: yes.
Comment: Not observed at significant frequency in large population cohorts (gnomAD); In silico analysis supports that this missense variant has a deleterious effect on protein structure/function; Missense variants in this gene are a common cause of disease and they are underrepresented in the general population; Has not been previously published as pathogenic or benign to our knowledge; This variant is associated with the following publications: (PMID: 29493581)